The following is an entry in ClinVar:

ClinVar aggregate classification (germline): Conflicting classifications of pathogenicity. Review status: criteria provided, conflicting classifications (1 of 4 stars). 4 submissions from 4 submitters: Uncertain significance (3); Likely benign (1). Last evaluated 2024-06-19.

Conditions:
Hereditary nonpolyposis colorectal neoplasms. Identifiers: MedGen C0009405, MeSH D003123.
Hereditary cancer-predisposing syndrome. Also called: Neoplastic Syndromes, Hereditary; Tumor predisposition; Hereditary Cancer Syndrome; Hereditary neoplastic syndrome. Identifiers: Orphanet 140162, MedGen C0027672, MeSH D009386, MONDO:0015356.
Lynch syndrome. Identifiers: Orphanet 144, MedGen C4552100, MONDO:0005835. Disease mechanism: loss of function.

Allele frequency attached by ClinVar (database versions not stated): gnomAD exomes below 0.00001.
gnomAD v4.1: 1 of 1,614,174 alleles (0.000062%); highest among the groups gnomAD compares: Non-Finnish European, 0.000085%; no homozygotes.

Submissions (4):

Ambry Genetics
Classification: Likely benign for Hereditary cancer-predisposing syndrome. Last evaluated: 2024-06-19. Review status: criteria provided, single submitter. Criteria: Ambry Variant Classification Scheme 2023. Collection method: clinical testing. Allele origin: germline.

All of Us Research Program, National Institutes of Health
Classification: Uncertain significance for Lynch syndrome. Last evaluated: 2024-03-04. Review status: criteria provided, single submitter. Criteria: ACMG Guidelines, 2015. Collection method: clinical testing. Allele origin: germline. Inheritance: Autosomal dominant inheritance. Observed: 1 variant allele, 1 heterozygote.
Comment: This missense variant replaces isoleucine with methionine at codon 629 of the PMS2 protein. Computational prediction suggests that this variant may not impact protein structure and function (internally defined REVEL score threshold <= 0.5, PMID: 27666373). To our knowledge, functional studies have not been reported for this variant. This variant has not been reported in individuals affected with hereditary cancer in the literature. This variant has not been identified in the general population by the Genome Aggregation Database (gnomAD). The available evidence is insufficient to determine the role of this variant in disease conclusively. Therefore, this variant is classified as a Variant of Uncertain Significance.

This study involves interpretation of variants in research participants for the purpose of population health screening. Participant phenotype was not available at the time of variant classification. Additional details can be found in publication PMID: 35346344, PMCID: PMC8962531

Labcorp Genetics (formerly Invitae), Labcorp
Classification: Uncertain significance for Hereditary nonpolyposis colorectal neoplasms. Last evaluated: 2021-11-15. Review status: criteria provided, single submitter. Criteria: Invitae Variant Classification Sherloc (09022015). Collection method: clinical testing. Allele origin: germline.
Comment: In summary, the available evidence is currently insufficient to determine the role of this variant in disease. Therefore, it has been classified as a Variant of Uncertain Significance. Advanced modeling of protein sequence and biophysical properties (such as structural, functional, and spatial information, amino acid conservation, physicochemical variation, residue mobility, and thermodynamic stability) performed at Invitae indicates that this missense variant is not expected to disrupt PMS2 protein function. ClinVar contains an entry for this variant (Variation ID: 820259). This variant has not been reported in the literature in individuals affected with PMS2-related conditions. This variant is not present in population databases (gnomAD no frequency). This sequence change replaces isoleucine, which is neutral and non-polar, with methionine, which is neutral and non-polar, at codon 629 of the PMS2 protein (p.Ile629Met).

Color Diagnostics, LLC DBA Color Health
Classification: Uncertain significance for Hereditary cancer-predisposing syndrome. Last evaluated: 2021-04-20. Review status: criteria provided, single submitter. Criteria: ACMG Guidelines, 2015. Collection method: clinical testing. Allele origin: germline.
Comment: This missense variant replaces isoleucine with methionine at codon 629 of the PMS2 protein. Computational prediction suggests that this variant may not impact protein structure and function (internally defined REVEL score threshold <= 0.5, PMID: 27666373). To our knowledge, functional studies have not been reported for this variant. This variant has not been reported in individuals affected with hereditary cancer in the literature. This variant has not been identified in the general population by the Genome Aggregation Database (gnomAD). The available evidence is insufficient to determine the role of this variant in disease conclusively. Therefore, this variant is classified as a Variant of Uncertain Significance.

NM_000535.7(PMS2):c.1887A>G (p.Ile629Met)

Gene: PMS2 (PMS1 homolog 2, mismatch repair system component; minus strand). Cytogenetic location: 7p22.1.
Variant type: single nucleotide variant.
Coding change: c.1887A>G on transcript NM_000535.7 (MANE Select); coding-DNA position 1887, A replaced by G.
Protein change: p.Ile629Met; replaces isoleucine 629 with methionine.
Molecular consequence: missense variant. On other transcripts: non-coding transcript variant (1).
Genome position (GRCh38, 1-based): chr7:5,986,878, T>C on the plus strand (A>G on the coding strand, the complement: PMS2 is on the minus strand). VCF-style: chr7-5986878-T-C. GRCh37 (hg19) VCF-style: chr7-6026509-T-C.
Other names: c.1482A>G, p.Ile494Met (NM_001322003.2, NM_001322004.2, NM_001322005.2 and 1 more transcripts); c.1731A>G, p.Ile577Met (NM_001322006.2); c.1569A>G, p.Ile523Met (NM_001322007.2, NM_001322008.2); c.1326A>G, p.Ile442Met (NM_001322010.2); c.954A>G, p.Ile318Met (NM_001322011.2, NM_001322012.2); c.1314A>G, p.Ile438Met (NM_001322013.2); c.1887A>G, p.Ile629Met (NM_001322014.2); c.1578A>G, p.Ile526Met (NM_001322015.2); short protein forms I438M, I494M, I577M, I318M, I442M, I629M, I523M, I526M.
Identifiers: ClinVar variation 820259 (VCV000820259.14), dbSNP rs1583314135, ClinGen allele CA366739421.